The following is an entry in ClinVar:

NM_001164508.2(NEB):c.18787A>G (p.Ile6263Val)

Gene: NEB (nebulin; minus strand). Cytogenetic location: 2q23.3.
Variant type: single nucleotide variant.
Coding change: c.18787A>G on transcript NM_001164508.2 (MANE Select); coding-DNA position 18787, A replaced by G.
Protein change: p.Ile6263Val; replaces isoleucine 6263 with valine.
Molecular consequence: missense variant.
Genome position (GRCh38, 1-based): chr2:151,562,715, T>C on the plus strand (A>G on the coding strand, the complement: NEB is on the minus strand). VCF-style: chr2-151562715-T-C. GRCh37 (hg19) VCF-style: chr2-152419229-T-C.
Other names: c.18787A>G, p.Ile6263Val (NM_001164507.2, NM_001271208.2); c.13684A>G, p.Ile4562Val (NM_004543.5); short protein forms I4562V, I6263V.
Identifiers: ClinVar variation 1996136 (VCV001996136.1), dbSNP rs757901813, ClinGen allele CA1907853.

ClinVar aggregate classification (germline): Uncertain significance (1 of 4 stars; one submission).

Conditions:
Nemaline myopathy 2 (NEM2). Also called: Nemaline myopathy 2, autosomal recessive. Identifiers: MedGen C1850569, MONDO:0009725, OMIM 256030.

Allele frequency attached by ClinVar (database versions not stated): gnomAD exomes below 0.00001; ExAC 0.00001.
gnomAD v4.1: 2 of 1,607,318 alleles (0.00012%); highest among the groups gnomAD compares: South Asian, 0.0022%; no homozygotes.

Submission:

Labcorp Genetics (formerly Invitae), Labcorp
Classification: Uncertain significance for Nemaline myopathy 2. Last evaluated: 2022-05-18. Review status: criteria provided, single submitter. Criteria: Invitae Variant Classification Sherloc (09022015). Collection method: clinical testing. Allele origin: germline.
Comment: This sequence change replaces isoleucine, which is neutral and non-polar, with valine, which is neutral and non-polar, at codon 6263 of the NEB protein (p.Ile6263Val). The frequency data for this variant in the population databases is considered unreliable, as metrics indicate poor data quality at this position in the gnomAD database. This variant has not been reported in the literature in individuals affected with NEB-related conditions. Algorithms developed to predict the effect of missense changes on protein structure and function are either unavailable or do not agree on the potential impact of this missense change (SIFT: "Deleterious"; PolyPhen-2: "Not Available"; Align-GVGD: "Class C0"). In summary, the available evidence is currently insufficient to determine the role of this variant in disease. Therefore, it has been classified as a Variant of Uncertain Significance.